The following is an entry in ClinVar:

ClinVar aggregate classification (germline): Conflicting classifications of pathogenicity. Review status: criteria provided, conflicting classifications (1 of 4 stars). 5 submissions from 5 submitters: Uncertain significance (1); Likely benign (4). Last evaluated 2025-12-05.

Conditions:
Familial sleep-related hypermotor epilepsy. Also called: Autosomal Dominant Sleep-Related Hypermotor (Hyperkinetic) Epilepsy. Identifiers: Orphanet 98784, MedGen C3696898, MONDO:0000030.
Inborn genetic diseases. Identifiers: MedGen C0950123, MeSH D030342.

Allele frequency attached by ClinVar (database versions not stated): ExAC 0.00001; gnomAD 0.00002; gnomAD exomes 0.00002; TOPMed 0.00002.

Submissions (5):

Labcorp Genetics (formerly Invitae), Labcorp
Classification: Likely benign. Last evaluated: 2025-12-05. Review status: criteria provided, single submitter. Criteria: Invitae Variant Classification Sherloc (09022015). Collection method: clinical testing. Allele origin: germline.

Women's Health and Genetics/Laboratory Corporation of America, LabCorp
Classification: Likely benign. Last evaluated: 2025-10-15. Review status: criteria provided, single submitter. Criteria: LabCorp Variant Classification Summary - May 2015. Collection method: clinical testing. Allele origin: germline.
Comment: Variant summary: CHRNA2 c.1270G>A (p.Ala424Thr) results in a non-conservative amino acid change in the encoded protein sequence. Algorithms developed to predict the effect of missense changes on protein structure and function are either unavailable or do not agree on the potential impact of this missense change. The variant allele was found at a frequency of 6.3e-06 in 1588558 control chromosomes, predominantly at a frequency of 0.00017 within the Latino subpopulation in the gnomAD database. The occurrence in several carriers suggests that this variant is likely not associated with a high penetrance, severe, early onset disease phenotype in heterozygous state. To our knowledge, no occurrence of c.1270G>A in individuals affected with CHRNA2-related conditions and no experimental evidence demonstrating its impact on protein function have been reported. ClinVar contains an entry for this variant (Variation ID: 421521). Based on the evidence outlined above, the variant was classified as likely benign.

Ambry Genetics
Classification: Likely benign for Inborn genetic diseases. Last evaluated: 2024-01-08. Review status: criteria provided, single submitter. Criteria: Ambry Variant Classification Scheme 2023. Collection method: clinical testing. Allele origin: germline.

GeneDx
Classification: Likely benign. Last evaluated: 2018-10-18. Review status: criteria provided, single submitter. Criteria: GeneDx Variant Classification Process June 2021. Collection method: clinical testing. Allele origin: germline. Affected: yes.

Eurofins Ntd Llc (ga)
Classification: Uncertain significance. Last evaluated: 2017-06-16. Review status: criteria provided, single submitter. Criteria: EGL Classification Definitions 2015. Collection method: clinical testing. Allele origin: germline. Observed: 2 variant alleles, 2 heterozygotes.

NM_000742.4(CHRNA2):c.1270G>A (p.Ala424Thr)

Gene: CHRNA2 (cholinergic receptor nicotinic alpha 2 subunit; minus strand). Cytogenetic location: 8p21.2.
Variant type: single nucleotide variant.
Coding change: c.1270G>A on transcript NM_000742.4 (MANE Select); coding-DNA position 1270, G replaced by A.
Protein change: p.Ala424Thr; replaces alanine 424 with threonine.
Molecular consequence: missense variant.
Genome position (GRCh38, 1-based): chr8:27,463,173, C>T on the plus strand (G>A on the coding strand, the complement: CHRNA2 is on the minus strand). VCF-style: chr8-27463173-C-T. GRCh37 (hg19) VCF-style: chr8-27320690-C-T.
Other names: c.1225G>A, p.Ala409Thr (NM_001282455.2); c.793G>A, p.Ala265Thr (NM_001347705.2, NM_001347706.2); c.676G>A, p.Ala226Thr (NM_001347707.2, NM_001347708.2); short protein forms A424T, A226T, A265T, A409T.
Identifiers: ClinVar variation 421521 (VCV000421521.17), dbSNP rs767138285, ClinGen allele CA4689488.